The following is an entry in ClinVar:

ClinVar aggregate classification (germline): Uncertain significance. Review status: criteria provided, multiple submitters, no conflicts (2 of 4 stars). 2 submissions from 2 submitters: Uncertain significance (2). Last evaluated 2024-12-31.

Conditions:
Inborn genetic diseases. Identifiers: MedGen C0950123, MeSH D030342.

Submissions (2):

Ambry Genetics
Classification: Uncertain significance for Inborn genetic diseases. Last evaluated: 2024-12-31. Review status: criteria provided, single submitter. Criteria: Ambry Variant Classification Scheme 2023. Collection method: clinical testing. Allele origin: germline.
Comment: The p.I1551V variant (also known as c.4651A>G), located in coding exon 1 of the SAMD9 gene, results from an A to G substitution at nucleotide position 4651. The isoleucine at codon 1551 is replaced by valine, an amino acid with highly similar properties. This amino acid position is conserved. In addition, this alteration is predicted to be tolerated by in silico analysis. Based on the available evidence, the clinical significance of this variant remains unclear.

Labcorp Genetics (formerly Invitae), Labcorp
Classification: Uncertain significance. Last evaluated: 2023-10-16. Review status: criteria provided, single submitter. Criteria: Invitae Variant Classification Sherloc (09022015). Collection method: clinical testing. Allele origin: germline.
Comment: This sequence change replaces isoleucine, which is neutral and non-polar, with valine, which is neutral and non-polar, at codon 1551 of the SAMD9 protein (p.Ile1551Val). This variant is not present in population databases (gnomAD no frequency). This variant has not been reported in the literature in individuals affected with SAMD9-related conditions. Advanced modeling of protein sequence and biophysical properties (such as structural, functional, and spatial information, amino acid conservation, physicochemical variation, residue mobility, and thermodynamic stability) has been performed at Invitae for this missense variant, however the output from this modeling did not meet the statistical confidence thresholds required to predict the impact of this variant on SAMD9 protein function. In summary, the available evidence is currently insufficient to determine the role of this variant in disease. Therefore, it has been classified as a Variant of Uncertain Significance.

NM_017654.4(SAMD9):c.4651A>G (p.Ile1551Val)

Gene: SAMD9 (sterile alpha motif domain containing 9; minus strand). Cytogenetic location: 7q21.2.
Variant type: single nucleotide variant.
Coding change: c.4651A>G on transcript NM_017654.4 (MANE Select); coding-DNA position 4651, A replaced by G.
Protein change: p.Ile1551Val; replaces isoleucine 1551 with valine.
Molecular consequence: missense variant.
Genome position (GRCh38, 1-based): chr7:93,101,447, T>C on the plus strand (A>G on the coding strand, the complement: SAMD9 is on the minus strand). VCF-style: chr7-93101447-T-C. GRCh37 (hg19) VCF-style: chr7-92730760-T-C.
Other names: c.4651A>G, p.Ile1551Val (NM_001193307.2); c.4651A>G (NM_017654.3); short protein forms I1551V.
Identifiers: ClinVar variation 2800279 (VCV002800279.4), dbSNP rs1791526054, ClinGen allele CA368176740.